The following is an entry in ClinVar:

NM_015272.5(RPGRIP1L):c.1476A>C (p.Glu492Asp)

Gene: RPGRIP1L (RPGRIP1 like; minus strand). Cytogenetic location: 16q12.2.
Variant type: single nucleotide variant.
Coding change: c.1476A>C on transcript NM_015272.5 (MANE Select); coding-DNA position 1476, A replaced by C.
Protein change: p.Glu492Asp; replaces glutamic acid 492 with aspartic acid.
Molecular consequence: missense variant.
Genome position (GRCh38, 1-based): chr16:53,657,558, T>G on the plus strand (A>C on the coding strand, the complement: RPGRIP1L is on the minus strand). VCF-style: chr16-53657558-T-G. GRCh37 (hg19) VCF-style: chr16-53691470-T-G.
Other names: c.1476A>C, p.Glu492Asp (NM_001127897.4, NM_001308334.3, NM_001330538.2); short protein forms E492D.
Identifiers: ClinVar variation 1423357 (VCV001423357.9), dbSNP rs1967370164, ClinGen allele CA395919043.
Genomic context (GRCh38, chr16:53,657,558, plus strand): 5'-TGTCTTTTCCAGCTCTTGCACCGTTTCTGCATGAGTTGCTTGCAGCTCTCTCATAGAGCG[T>G]TCTAGATCTTTATTAATTTCACTATCTACTTTCACTAAAAAGGAAAGGTCTCCATTTTTT-3'
Protein context (NP_056087.2, residues 482-502): KVDSEINKDL[Glu492Asp]RSMRELQATH

ClinVar aggregate classification (germline): Uncertain significance. Review status: criteria provided, multiple submitters, no conflicts (2 of 4 stars). 2 submissions from 2 submitters: Uncertain significance (2). Last evaluated 2022-02-03.

Conditions:
Joubert syndrome. Also called: CEREBELLOPARENCHYMAL DISORDER IV; JOUBERT-BOLTSHAUSER SYNDROME; Familial aplasia of the vermis. Identifiers: Orphanet 475, MedGen C5979921, MONDO:0018772.
Meckel-Gruber syndrome. Also called: DYSENCEPHALIA SPLANCHNOCYSTICA; GRUBER SYNDROME; Dysencephalia splachnocystica. Identifiers: Orphanet 564, MedGen C0265215, MONDO:0018921.
Meckel syndrome, type 5 (MKS5). Identifiers: Orphanet 564, MedGen C1969052, MONDO:0012695, OMIM 611561.
COACH syndrome 3. Identifiers: MedGen C5436841, MONDO:0030862, OMIM 619113.
Joubert syndrome 7 (JBTS7). Identifiers: Orphanet 220497, MedGen C1969053, MONDO:0012694, OMIM 611560.

Allele frequency attached by ClinVar (database versions not stated): TOPMed 0.00001.

Submissions (2):

Fulgent Genetics
Classification: Uncertain significance for Joubert syndrome 7; Meckel syndrome, type 5; COACH syndrome 3. Last evaluated: 2022-02-03. Review status: criteria provided, single submitter. Criteria: ACMG Guidelines, 2015. Collection method: clinical testing. Allele origin: unknown.

Labcorp Genetics (formerly Invitae), Labcorp
Classification: Uncertain significance for Joubert syndrome; Meckel-Gruber syndrome. Last evaluated: 2021-07-20. Review status: criteria provided, single submitter. Criteria: Invitae Variant Classification Sherloc (09022015). Collection method: clinical testing. Allele origin: germline.
Comment: In summary, the available evidence is currently insufficient to determine the role of this variant in disease. Therefore, it has been classified as a Variant of Uncertain Significance. Algorithms developed to predict the effect of missense changes on protein structure and function output the following: SIFT: "Tolerated"; PolyPhen-2: "Benign"; Align-GVGD: "Class C0". The aspartic acid amino acid residue is found in multiple mammalian species, suggesting that this missense change does not adversely affect protein function. These predictions have not been confirmed by published functional studies and their clinical significance is uncertain. This variant has not been reported in the literature in individuals with RPGRIP1L-related conditions. This variant is not present in population databases (ExAC no frequency). This sequence change replaces glutamic acid with aspartic acid at codon 492 of the RPGRIP1L protein (p.Glu492Asp). The glutamic acid residue is moderately conserved and there is a small physicochemical difference between glutamic acid and aspartic acid.